The following is an entry in ClinVar:

ClinVar aggregate classification (germline): Uncertain significance (1 of 4 stars; one submission).

Submission:

Women's Health and Genetics/Laboratory Corporation of America, LabCorp
Classification: Uncertain significance. Last evaluated: 2025-06-11. Review status: criteria provided, single submitter. Criteria: LabCorp Variant Classification Summary - May 2015. Collection method: clinical testing. Allele origin: germline.
Comment: Variant summary: COL4A4 c.1697G>T (p.Gly566Val) results in a non-conservative amino acid change in the encoded protein sequence. Algorithms developed to predict the effect of missense changes on protein structure and function all suggest that this variant is likely to be disruptive. Several computational tools predict a significant impact on normal splicing: Three predict the variant weakens a 3' acceptor site. One predicts the variant has no significant impact on splicing. However, these predictions have yet to be confirmed by functional studies. The variant was absent in 248984 control chromosomes. The available data on variant occurrences in the general population are insufficient to allow any conclusion about variant significance. To our knowledge, no occurrence of c.1697G>T in individuals affected with Alport Syndrome, Autosomal Recessive and no experimental evidence demonstrating its impact on protein function have been reported. No submitters have cited clinical-significance assessments for this variant to ClinVar. Based on the evidence outlined above, the variant was classified as uncertain significance.

NM_000092.5(COL4A4):c.1697G>T (p.Gly566Val)

Gene: COL4A4 (collagen type IV alpha 4 chain; minus strand). Cytogenetic location: 2q36.3.
Variant type: single nucleotide variant.
Coding change: c.1697G>T on transcript NM_000092.5 (MANE Select); coding-DNA position 1697, G replaced by T.
Protein change: p.Gly566Val; replaces glycine 566 with valine.
Molecular consequence: missense variant.
Genome position (GRCh38, 1-based): chr2:227,080,549, C>A on the plus strand (G>T on the coding strand, the complement: COL4A4 is on the minus strand). VCF-style: chr2-227080549-C-A. GRCh37 (hg19) VCF-style: chr2-227945265-C-A.
Other names: short protein forms G566V.
Identifiers: ClinVar variation 3907192 (VCV003907192.1).
Genomic context (GRCh38, chr2:227,080,549, plus strand): 5'-TGTGATCCTGGCTGCCCTGGAAATCCTGGGGGCCCATCAGGACCTCTTTCTCCTTTGTGC[C>A]CTGGAAATAGAGGTCAAAAGATATTCAAGCTCTTATCAGCAGAGGGTAAAGTAGGATAGA-3'
Protein context (NP_000083.3, residues 556-576): KGDMVVSRVK[Gly566Val]HKGERGPDGP